The following is an entry in ClinVar:

NM_004991.4(MECOM):c.3061G>T (p.Gly1021Cys)

Gene: MECOM (MDS1 and EVI1 complex locus; minus strand). Cytogenetic location: 3q26.2.
Variant type: single nucleotide variant.
Coding change: c.3061G>T on transcript NM_004991.4 (MANE Select); coding-DNA position 3061, G replaced by T.
Protein change: p.Gly1021Cys; replaces glycine 1021 with cysteine.
Molecular consequence: missense variant.
Genome position (GRCh38, 1-based): chr3:169,093,061, C>A on the plus strand (G>T on the coding strand, the complement: MECOM is on the minus strand). VCF-style: chr3-169093061-C-A. GRCh37 (hg19) VCF-style: chr3-168810849-C-A.
Other names: c.2692G>T, p.Gly898Cys (NM_001105077.4); c.2497G>T, p.Gly833Cys (NM_001105078.4, NM_001205194.2, NM_001366469.2 and 1 more transcripts); c.2473G>T, p.Gly825Cys (NM_001163999.2, NM_001366470.2); c.2470G>T, p.Gly824Cys (NM_001164000.2, NM_001366471.2, NM_001366472.2); c.3034G>T, p.Gly1012Cys (NM_001366466.2); c.2500G>T, p.Gly834Cys (NM_001366467.2, NM_001366468.2); c.2062G>T, p.Gly688Cys (NM_001366473.2); c.1498G>T, p.Gly500Cys (NM_001366474.2); short protein forms G825C, G500C, G833C, G898C, G1012C, G1021C, G688C, G824C.
Identifiers: ClinVar variation 4824286 (VCV004824286.1).

ClinVar aggregate classification (germline): Uncertain significance (1 of 4 stars; one submission).

Conditions:
Inborn genetic diseases. Identifiers: MedGen C0950123, MeSH D030342.

Submission:

Ambry Genetics
Classification: Uncertain significance for Inborn genetic diseases. Last evaluated: 2026-01-15. Review status: criteria provided, single submitter. Criteria: Ambry Variant Classification Scheme 2023. Collection method: clinical testing. Allele origin: germline.
Comment: The p.G1021C variant (also known as c.3061G>T), located in coding exon 14 of the MECOM gene, results from a G to T substitution at nucleotide position 3061. The glycine at codon 1021 is replaced by cysteine, an amino acid with highly dissimilar properties. This amino acid position is conserved. In addition, this alteration is predicted to be tolerated by in silico analysis. Based on the available evidence, the clinical significance of this variant remains unclear.